The following is an entry in ClinVar:

ClinVar aggregate classification (germline): Likely benign (1 of 4 stars; one submission).

gnomAD v4.1: 53 of 1,612,802 alleles (0.0033%); highest among the groups gnomAD compares: Admixed American, 0.087%; no homozygotes.

Submission:

CeGaT Center for Human Genetics Tuebingen
Classification: Likely benign. Last evaluated: 2026-03-01. Review status: criteria provided, single submitter. Criteria: CeGaT Center For Human Genetics Tuebingen Variant Classification Criteria Version 2. Collection method: clinical testing. Allele origin: germline. Affected: yes. Observed: 1 variant allele.
Comment: HECTD4: BP4, BP7

NM_001388303.1(HECTD4):c.5394T>G (p.Ala1798=)

Gene: HECTD4 (HECT domain E3 ubiquitin protein ligase 4; minus strand). Cytogenetic location: 12q24.13.
Variant type: single nucleotide variant.
Coding change: c.5394T>G on transcript NM_001388303.1 (MANE Select); coding-DNA position 5394, T replaced by G.
Protein change: p.Ala1798=; no amino-acid change (alanine 1798 retained).
Molecular consequence: synonymous variant.
Genome position (GRCh38, 1-based): chr12:112,236,995, A>C on the plus strand (T>G on the coding strand, the complement: HECTD4 is on the minus strand). VCF-style: chr12-112236995-A-C. GRCh37 (hg19) VCF-style: chr12-112674799-A-C.
Other names: c.5424T>G, p.Ala1808= (NM_001109662.4).
Identifiers: ClinVar variation 4822784 (VCV004822784.4).